The following is an entry in ClinVar:

NM_015046.7(SETX):c.7794C>A (p.Ser2598Arg)

Gene: SETX (senataxin; minus strand). Cytogenetic location: 9q34.13.
Variant type: single nucleotide variant.
Coding change: c.7794C>A on transcript NM_015046.7 (MANE Select); coding-DNA position 7794, C replaced by A.
Protein change: p.Ser2598Arg; replaces serine 2598 with arginine.
Molecular consequence: missense variant.
Genome position (GRCh38, 1-based): chr9:132,264,479, G>T on the plus strand (C>A on the coding strand, the complement: SETX is on the minus strand). VCF-style: chr9-132264479-G-T. GRCh37 (hg19) VCF-style: chr9-135139866-G-T.
Other names: c.7794C>A, p.Ser2598Arg (NM_001351527.2); c.7881C>A, p.Ser2627Arg (NM_001351528.2); short protein forms S2627R, S2598R.
Identifiers: ClinVar variation 1760649 (VCV001760649.2), dbSNP rs2538819417, ClinGen allele CA375322753.

ClinVar aggregate classification (germline): Uncertain significance (1 of 4 stars; one submission).

Conditions:
Inborn genetic diseases. Identifiers: MedGen C0950123, MeSH D030342.

Submission:

Ambry Genetics
Classification: Uncertain significance for Inborn genetic diseases. Last evaluated: 2022-07-17. Review status: criteria provided, single submitter. Criteria: Ambry Variant Classification Scheme 2023. Collection method: clinical testing. Allele origin: germline.
Comment: The p.S2598R variant (also known as c.7794C>A), located in coding exon 24 of the SETX gene, results from a C to A substitution at nucleotide position 7794. The serine at codon 2598 is replaced by arginine, an amino acid with dissimilar properties. This amino acid position is conserved. In addition, this alteration is predicted to be tolerated by in silico analysis. Since supporting evidence is limited at this time, the clinical significance of this alteration remains unclear.